The following is an entry in ClinVar:

ClinVar aggregate classification (germline): Pathogenic (1 of 4 stars; one submission).

gnomAD v4.1: 2 of 1,613,010 alleles (0.00012%); highest among the groups gnomAD compares: Admixed American, 0.0033%; no homozygotes.

Submission:

Labcorp Genetics (formerly Invitae), Labcorp
Classification: Pathogenic. Last evaluated: 2024-12-07. Review status: criteria provided, single submitter. Criteria: Invitae Variant Classification Sherloc (09022015). Collection method: clinical testing. Allele origin: germline.
Comment: This sequence change creates a premature translational stop signal (p.Tyr464*) in the TMPRSS15 gene. It is expected to result in an absent or disrupted protein product. Loss-of-function variants in TMPRSS15 are known to be pathogenic (PMID: 11719902). This variant is present in population databases (no rsID available, gnomAD 0.006%). This variant has not been reported in the literature in individuals affected with TMPRSS15-related conditions. Algorithms developed to predict the effect of sequence changes on RNA splicing suggest that this variant may disrupt the consensus splice site. For these reasons, this variant has been classified as Pathogenic.

Literature cited by the submitters: PubMed 11719902.

NM_002772.3(TMPRSS15):c.1392T>G (p.Tyr464Ter)

Gene: TMPRSS15 (transmembrane serine protease 15; minus strand). Cytogenetic location: 21q21.1.
Variant type: single nucleotide variant.
Coding change: c.1392T>G on transcript NM_002772.3 (MANE Select); coding-DNA position 1392, T replaced by G.
Protein change: p.Tyr464Ter; replaces tyrosine 464 with a stop codon.
Molecular consequence: nonsense.
Genome position (GRCh38, 1-based): chr21:18,343,542, A>C on the plus strand (T>G on the coding strand, the complement: TMPRSS15 is on the minus strand). VCF-style: chr21-18343542-A-C. GRCh37 (hg19) VCF-style: chr21-19715859-A-C.
Other names: c.1527T>G, p.Tyr509Ter (NM_001428056.1); c.1392T>G, p.Tyr464Ter (NM_001428057.1); short protein forms Y509*, Y464*.
Identifiers: ClinVar variation 3675722 (VCV003675722.2).
Genomic context (GRCh38, chr21:18,343,542, plus strand): 5'-TAAATAATAAAGTATTTTGCAAACCTTAAATTTAACTGTTTCATTTAGGGTTACTTGTCC[A>C]TAATTCCAATTGTCTCCATAATTTCCTTCCTTTTGGAAAACTGTCTTCTCCATATTTTGG-3'